The following is an entry in ClinVar:

ClinVar aggregate classification (germline): Uncertain significance. Review status: criteria provided, multiple submitters, no conflicts (2 of 4 stars). 2 submissions from 2 submitters: Uncertain significance (2). Last evaluated 2024-09-23.

Conditions:
Neurodevelopmental disorder with coarse facies and mild distal skeletal abnormalities. Also called: STOLERMAN NEURODEVELOPMENTAL SYNDROME. Identifiers: MedGen C5193134, MONDO:0032790, OMIM 618505.

gnomAD v4.1: 1 of 1,265,412 alleles (0.000079%); highest among the groups gnomAD compares: African/African-American, 0.0018%; no homozygotes.

Submissions (2):

GeneDx
Classification: Uncertain significance. Last evaluated: 2024-09-23. Review status: criteria provided, single submitter. Criteria: GeneDx Variant Classification Process June 2021. Collection method: clinical testing. Allele origin: germline. Affected: yes.
Comment: Not observed at significant frequency in large population cohorts (gnomAD); In silico analysis indicates that this missense variant does not alter protein structure/function; Has not been previously published as pathogenic or benign to our knowledge

Victorian Clinical Genetics Services, Murdoch Childrens Research Institute
Classification: Uncertain significance for Neurodevelopmental disorder with coarse facies and mild distal skeletal abnormalities. Last evaluated: 2022-09-02. Review status: criteria provided, single submitter. Criteria: ACMG Guidelines, 2015. Collection method: clinical testing. Allele origin: germline. Inheritance: Autosomal dominant inheritance. Affected: yes.
Comment: Based on the classification scheme VCGS_Germline_v1.3.4, this variant is classified as VUS-3C. Following criteria are met: 0102 - Loss of function is a known mechanism of disease in this gene and is associated with neurodevelopmental disorder with coarse facies and mild distal skeletal abnormalities (MIM#618505). (I) 0107 - This gene is associated with autosomal dominant disease. (I) 0200 - Variant is predicted to result in a missense amino acid change from arginine to glycine. (I) 0251 - This variant is heterozygous. (I) 0301 - Variant is absent from gnomAD (both v2 and v3). (SP) 0309 - Multiple alternative amino acid changes at the same position have been observed in gnomAD (v2) (highest allele count: 7 heterozygotes, 1 homozygote). (I) 0503 - Missense variant consistently predicted to be tolerated by multiple in silico tools or not conserved in placental mammals with a minor amino acid change. (SB) 0604 - Variant is not located in an established domain, motif, hotspot or informative constraint region. (I) 0705 - No comparable missense variants have previous evidence for pathogenicity. (I) 0807 - This variant has no previous evidence of pathogenicity. (I) 0905 - No published segregation evidence has been identified for this variant. (I) 1007 - No published functional evidence has been identified for this variant. (I) 1208 - Inheritance information for this variant is not currently available in this individual. (I) Legend: (SP) - Supporting pathogenic, (I) - Information, (SB) - Supporting benign

NM_001348716.2(KDM6B):c.1432C>G (p.Arg478Gly)

Gene: KDM6B (lysine demethylase 6B; plus strand). Cytogenetic location: 17p13.1.
Variant type: single nucleotide variant.
Coding change: c.1432C>G on transcript NM_001348716.2 (MANE Select); coding-DNA position 1432, C replaced by G.
Protein change: p.Arg478Gly; replaces arginine 478 with glycine.
Molecular consequence: missense variant.
Genome position (GRCh38, 1-based): chr17:7,847,720, C>G. VCF-style: chr17-7847720-C-G. GRCh37 (hg19) VCF-style: chr17-7751038-C-G.
Other names: c.1432C>G, p.Arg478Gly (NM_001080424.2); short protein forms R478G.
Identifiers: ClinVar variation 1805957 (VCV001805957.4), dbSNP rs756565038, ClinGen allele CA397916708.